The following is an entry in ClinVar:

ClinVar aggregate classification (germline): Pathogenic. Review status: criteria provided, multiple submitters, no conflicts (2 of 4 stars). 3 submissions from 3 submitters: Pathogenic (3). Last evaluated 2024-12-16.

Conditions:
COL17A1-related disorder. Also called: COL17A1-related condition.
Epidermolysis bullosa, junctional 4, intermediate. Also called: Epidermolysis bullosa, junctional, localisata variant; EPIDERMOLYSIS BULLOSA, JUNCTIONAL 4, NON-HERLITZ TYPE; EPIDERMOLYSIS BULLOSA, GENERALIZED ATROPHIC BENIGN. Identifiers: MedGen C2608084, MONDO:0030750, OMIM 619787.

Submissions (3):

Palindrome, Gene Kavoshgaran Aria
Classification: Pathogenic for Epidermolysis bullosa, junctional 4, intermediate. Last evaluated: 2024-12-16. Review status: criteria provided, single submitter. Criteria: ACMG Guidelines, 2015. Collection method: clinical testing. Allele origin: germline. Inheritance: Autosomal recessive inheritance. Affected: yes. Observed: 1 homozygote.

PreventionGenetics, part of Exact Sciences
Classification: Pathogenic for COL17A1-related condition. Last evaluated: 2024-12-06. Review status: criteria provided, single submitter. Criteria: ACMG Guidelines, 2015. Collection method: clinical testing. Allele origin: germline.
Comment: The COL17A1 c.3613_3616delTTAC variant is predicted to result in a frameshift and premature protein termination (p.Leu1205Ilefs*45). This variant has been reported in the homozygous state in an individual with epidermolysis bullosa (Table S1, Vahidnezhad et al. 2017. PubMed ID: 28830826). This variant has not been reported in gnomAD, indicating this variant is rare. Frameshift variants in COL17A1 are expected to be pathogenic. This variant is interpreted as pathogenic.

Labcorp Genetics (formerly Invitae), Labcorp
Classification: Pathogenic. Last evaluated: 2022-12-13. Review status: criteria provided, single submitter. Criteria: Invitae Variant Classification Sherloc (09022015). Collection method: clinical testing. Allele origin: germline.
Comment: For these reasons, this variant has been classified as Pathogenic. This premature translational stop signal has been observed in individual(s) with autosomal recessive junctional epidermolysis bullosa (PMID: 28830826). This variant is not present in population databases (gnomAD no frequency). This sequence change creates a premature translational stop signal (p.Leu1205Ilefs*45) in the COL17A1 gene. It is expected to result in an absent or disrupted protein product. Loss-of-function variants in COL17A1 are known to be pathogenic (PMID: 16473856, 17344927, 20301304, 21357940, 24319098).

Literature cited by the submitters: PubMed 28830826 (cited by Labcorp Genetics (formerly Invitae), Labcorp); PubMed 16473856 (cited by Labcorp Genetics (formerly Invitae), Labcorp); PubMed 17344927 (cited by Labcorp Genetics (formerly Invitae), Labcorp); PubMed 20301304 (cited by Labcorp Genetics (formerly Invitae), Labcorp); PubMed 21357940 (cited by Labcorp Genetics (formerly Invitae), Labcorp); PubMed 24319098 (cited by Labcorp Genetics (formerly Invitae), Labcorp).

NM_000494.4(COL17A1):c.3613_3616del (p.Leu1205fs)

Gene: COL17A1 (collagen type XVII alpha 1 chain; minus strand). Cytogenetic location: 10q25.1.
Variant type: Microsatellite.
Coding change: c.3613_3616del on transcript NM_000494.4 (MANE Select); coding-DNA positions 3613 to 3616, 4 bases deleted (TTAC; older notation c.3613_3616delTTAC).
Protein change: p.Leu1205fs; shifts the reading frame from leucine 1205.
Molecular consequence: frameshift variant.
Genome position (GRCh38, 1-based): chr10:104,035,266-104,035,269, GTAA deleted on the plus strand (TTAC on the coding strand, the reverse complement: COL17A1 is on the minus strand); deleting any 4 consecutive bases within chr10:104,035,266-104,035,274 gives the same sequence; the c. name uses the placement nearest the transcript's 3' end. VCF-style (leftmost placement, unchanged base first): chr10-104035265-TGTAA-T. GRCh37 (hg19) VCF-style: chr10-105795023-TGTAA-T.
Other names: short protein forms L1205fs.
Identifiers: ClinVar variation 2634739 (VCV002634739.6), dbSNP rs2493277518, ClinGen allele CA2695201038.